The following is an entry in ClinVar:

NM_001042432.2(CLN3):c.145A>C (p.Asn49His)

Gene: CLN3 (CLN3 lysosomal/endosomal transmembrane protein, battenin; minus strand). Cytogenetic location: 16p12.1.
Variant type: single nucleotide variant.
Coding change: c.145A>C on transcript NM_001042432.2 (MANE Select); coding-DNA position 145, A replaced by C.
Protein change: p.Asn49His; replaces asparagine 49 with histidine.
Molecular consequence: missense variant. On other transcripts: 5 prime UTR variant (3).
Genome position (GRCh38, 1-based): chr16:28,489,367, T>G on the plus strand (A>C on the coding strand, the complement: CLN3 is on the minus strand). VCF-style: chr16-28489367-T-G. GRCh37 (hg19) VCF-style: chr16-28500688-T-G.
Other names: c.145A>C, p.Asn49His (NM_000086.2, NM_001286104.2); c.-76A>C (NM_001286105.2); c.-18A>C (NM_001286109.2, NM_001286110.2); short protein forms N49H.
Identifiers: ClinVar variation 1999953 (VCV001999953.4), dbSNP rs2506508655, ClinGen allele CA395346545.

ClinVar aggregate classification (germline): Uncertain significance (1 of 4 stars; one submission).

Conditions:
Neuronal ceroid lipofuscinosis. Also called: Neuronal Ceroid Lipofuscinoses. Identifiers: Orphanet 216, Orphanet 79263, MedGen C0027877, MONDO:0016295. Disease mechanism: loss of function.

Allele frequency attached by ClinVar (database versions not stated): gnomAD exomes below 0.00001.

Submission:

Labcorp Genetics (formerly Invitae), Labcorp
Classification: Uncertain significance for Neuronal ceroid lipofuscinosis. Last evaluated: 2022-05-28. Review status: criteria provided, single submitter. Criteria: Invitae Variant Classification Sherloc (09022015). Collection method: clinical testing. Allele origin: germline.
Comment: This variant is not present in population databases (gnomAD no frequency). This sequence change replaces asparagine, which is neutral and polar, with histidine, which is basic and polar, at codon 49 of the CLN3 protein (p.Asn49His). This variant has not been reported in the literature in individuals affected with CLN3-related conditions. In summary, the available evidence is currently insufficient to determine the role of this variant in disease. Therefore, it has been classified as a Variant of Uncertain Significance. Algorithms developed to predict the effect of missense changes on protein structure and function (SIFT, PolyPhen-2, Align-GVGD) all suggest that this variant is likely to be disruptive.